The following is an entry in ClinVar:

NM_003283.6(TNNT1):c.523C>T (p.Arg175Trp)

Gene: TNNT1 (troponin T1, slow skeletal type; minus strand). Cytogenetic location: 19q13.42.
Variant type: single nucleotide variant.
Coding change: c.523C>T on transcript NM_003283.6 (MANE Select); coding-DNA position 523, C replaced by T.
Protein change: p.Arg175Trp; replaces arginine 175 with tryptophan.
Molecular consequence: missense variant.
Genome position (GRCh38, 1-based): chr19:55,137,191, G>A on the plus strand (C>T on the coding strand, the complement: TNNT1 is on the minus strand). VCF-style: chr19-55137191-G-A. GRCh37 (hg19) VCF-style: chr19-55648559-G-A.
Other names: c.523C>T, p.Arg175Trp (NM_001126132.3); c.490C>T, p.Arg164Trp (NM_001126133.3, NM_001291774.2); short protein forms R175W, R164W.
Identifiers: ClinVar variation 283563 (VCV000283563.8), dbSNP rs780372739, ClinGen allele CA9667383.

ClinVar aggregate classification (germline): Uncertain significance. Review status: criteria provided, multiple submitters, no conflicts (2 of 4 stars). 3 submissions from 3 submitters: Uncertain significance (3). Last evaluated 2024-05-30.

Conditions:
Inborn genetic diseases. Identifiers: MedGen C0950123, MeSH D030342.

Allele frequency attached by ClinVar (database versions not stated): ExAC 0.00001; gnomAD exomes 0.00001.
gnomAD v4.1: 9 of 1,612,108 alleles (0.00056%); highest among the groups gnomAD compares: Non-Finnish European, 0.00068%; no homozygotes.

Submissions (3):

Ambry Genetics
Classification: Uncertain significance for Inborn genetic diseases. Last evaluated: 2024-05-30. Review status: criteria provided, single submitter. Criteria: Ambry Variant Classification Scheme 2023. Collection method: clinical testing. Allele origin: germline.

GeneDx
Classification: Uncertain significance. Last evaluated: 2020-01-20. Review status: criteria provided, single submitter. Criteria: GeneDx Variant Classification Process June 2021. Collection method: clinical testing. Allele origin: germline. Affected: yes.
Comment: Not observed at a significant frequency in large population cohorts (Lek et al., 2016); The majority of missense variants in this gene are considered pathogenic (Stenson et al., 2014); In silico analysis, which includes protein predictors and evolutionary conservation, supports a deleterious effect; Has not been previously published as pathogenic or benign to our knowledge

Eurofins Ntd Llc (ga)
Classification: Uncertain significance. Last evaluated: 2015-10-05. Review status: criteria provided, single submitter. Criteria: EGL Classification Definitions 2015. Collection method: clinical testing. Allele origin: germline. Observed: 2 variant alleles, 2 heterozygotes.